The following is an entry in ClinVar:

NM_173689.7(CRB2):c.793dup (p.Cys265fs)

Gene: CRB2 (crumbs cell polarity complex component 2; plus strand). Cytogenetic location: 9q33.3.
Variant type: Duplication.
Coding change: c.793dup on transcript NM_173689.7 (MANE Select); coding-DNA position 793, one base duplicated (T; older notation c.793dupT).
Protein change: p.Cys265fs; shifts the reading frame from cysteine 265.
Molecular consequence: frameshift variant.
Genome position (GRCh38, 1-based): chr9:123,367,210, T duplicated. VCF-style (leftmost placement, unchanged base first): chr9-123367209-G-GT. GRCh37 (hg19) VCF-style: chr9-126129488-G-GT.
Other names: short protein forms C265fs.
Identifiers: ClinVar variation 3269430 (VCV003269430.1).
Genomic context (GRCh38, chr9:123,367,209, plus strand): 5'-TGTCCGCGTGTGTGTGCCCCCAGGCTACAGCGGCGAGCTGTGCGAGGTGGACGAGGACGA[G>GT]TGTGCATCGAGCCCCTGCCAGCATGGGGGCCGATGCCTGCAGCGCTCTGACCCGGCCCTC-3'

ClinVar aggregate classification (germline): Pathogenic (1 of 4 stars; one submission).

Conditions:
Inborn genetic diseases. Identifiers: MedGen C0950123, MeSH D030342.

Submission:

Ambry Genetics
Classification: Pathogenic for Inborn genetic diseases. Last evaluated: 2024-06-03. Review status: criteria provided, single submitter. Criteria: Ambry Variant Classification Scheme 2023. Collection method: clinical testing. Allele origin: germline.
Comment: The c.793dupT (p.C265Lfs*17) alteration, located in coding exon 5 of the CRB2 gene, consists of a duplication of T at position 793, causing a translational frameshift with a predicted alternate stop codon after 17 amino acids. This alteration is expected to result in loss of function by premature protein truncation or nonsense-mediated mRNA decay. Based on the available evidence, this alteration is classified as pathogenic.